The following is an entry in ClinVar:

ClinVar aggregate classification (germline): Conflicting classifications of pathogenicity. Review status: criteria provided, conflicting classifications (1 of 4 stars). 4 submissions from 4 submitters: Likely pathogenic (1); Uncertain significance (3). Last evaluated 2026-08-13.

Conditions:
Hypophosphatasia. Also called: Phosphoethanol-aminuria. Identifiers: Orphanet 436, MedGen C0020630, MeSH D007014, MONDO:0018570.

gnomAD v4.1: 9 of 1,613,558 alleles (0.00056%); highest among the groups gnomAD compares: South Asian, 0.0011%; no homozygotes.

Submissions (4):

JKU Lab, Dept of Paediatrics, Johannes Kepler University
Classification: Uncertain significance for Hypophosphatasia. Last evaluated: 2026-08-13. Review status: criteria provided, single submitter. Criteria: ACMG Guidelines, 2015. Collection method: curation. Allele origin: germline.
Comment: This missense variant is present in GnomAD 4.1 (f = 5.5777e-06) and affects a highly conserved amino acid in the homodimeric interface. The variant is not predicted to affect protein function (REVEL score: 0.694). Splice-prediction algorithms predict no effect on splicing. This variant has been reported in the literature in individuals affected with ALPL-related conditions (PMID:39519277).

Genomenon, Inc
Classification: Likely pathogenic for Hypophosphatasia. Last evaluated: 2025-08-29. Review status: criteria provided, single submitter. Criteria: Genomenon Sequence Variant Interpretation Standards. Collection method: curation. Allele origin: germline. Affected: yes.
Comment: ALPL c.314C>T is a missense variant that changes the amino acid at residue 105 from Alanine to Valine. This variant has been observed in at least one proband affected with hypophosphatasia (PMID:36361766). It is absent or not present at a significant frequency in gnomAD. In silico models agree that this variant is possibly or probably damaging. In conclusion, we classify ALPL p.Ala105Val (c.314C>T) as a likely pathogenic variant.

Labcorp Genetics (formerly Invitae), Labcorp
Classification: Uncertain significance. Last evaluated: 2024-11-13. Review status: criteria provided, single submitter. Criteria: Invitae Variant Classification Sherloc (09022015). Collection method: clinical testing. Allele origin: germline.
Comment: This sequence change replaces alanine, which is neutral and non-polar, with valine, which is neutral and non-polar, at codon 105 of the ALPL protein (p.Ala105Val). This variant is present in population databases (rs768348242, gnomAD 0.009%). This missense change has been observed in individual(s) with hypophosphatasia (PMID: 36361766). Invitae Evidence Modeling of protein sequence and biophysical properties (such as structural, functional, and spatial information, amino acid conservation, physicochemical variation, residue mobility, and thermodynamic stability) indicates that this missense variant is expected to disrupt ALPL protein function with a positive predictive value of 95%. In summary, the available evidence is currently insufficient to determine the role of this variant in disease. Therefore, it has been classified as a Variant of Uncertain Significance.

Blueprint Genetics
Classification: Uncertain significance. Last evaluated: 2021-04-21. Review status: criteria provided, single submitter. Criteria: ACMG Guidelines, 2015. Collection method: clinical testing. Allele origin: germline.

Literature cited by the submitters: PubMed 39519277 (cited by JKU Lab, Dept of Paediatrics, Johannes Kepler University); PubMed 36361766 (cited by Genomenon, Inc and Labcorp Genetics (formerly Invitae), Labcorp).

NM_000478.6(ALPL):c.314C>T (p.Ala105Val)

Gene: ALPL (alkaline phosphatase, biomineralization associated; plus strand). Cytogenetic location: 1p36.12.
Variant type: single nucleotide variant.
Coding change: c.314C>T on transcript NM_000478.6 (MANE Select); coding-DNA position 314, C replaced by T.
Protein change: p.Ala105Val; replaces alanine 105 with valine.
Molecular consequence: missense variant.
Genome position (GRCh38, 1-based): chr1:21,563,126, C>T. VCF-style: chr1-21563126-C-T. GRCh37 (hg19) VCF-style: chr1-21889619-C-T.
Other names: c.149C>T, p.Ala50Val (NM_001127501.4); c.83C>T, p.Ala28Val (NM_001177520.3); c.314C>T, p.Ala105Val (NM_001369803.2, NM_001369804.2, NM_001369805.2); short protein forms A50V, A105V, A28V.
Identifiers: ClinVar variation 3631538 (VCV003631538.5).